The following is an entry in ClinVar:

NM_003079.5(SMARCE1):c.959C>T (p.Pro320Leu)

Gene: SMARCE1 (SWI/SNF related BAF chromatin remodeling complex subunit E1; minus strand). Cytogenetic location: 17q21.2.
Variant type: single nucleotide variant.
Coding change: c.959C>T on transcript NM_003079.5 (MANE Select); coding-DNA position 959, C replaced by T.
Protein change: p.Pro320Leu; replaces proline 320 with leucine.
Molecular consequence: missense variant.
Genome position (GRCh38, 1-based): chr17:40,630,782, G>A on the plus strand (C>T on the coding strand, the complement: SMARCE1 is on the minus strand). VCF-style: chr17-40630782-G-A. GRCh37 (hg19) VCF-style: chr17-38787034-G-A.
Other names: c.959C>T (NM_003079.4); short protein forms P320L.
Identifiers: ClinVar variation 1473423 (VCV001473423.10), dbSNP rs2037085756, ClinGen allele CA399363434.
Genomic context (GRCh38, chr17:40,630,782, plus strand): 5'-ATCGGAATGTTCTCGTCGTCTTTCTTCTCCTCGCCTTTGTTAGCTGCTTGTTCTTCCTCA[G>A]GAACGATGCTGCTCTGACTGCGCTCAGCTTGCTCTGCGGCCTCCTTCTCCCTTTCCTCCT-3'
Protein context (NP_003070.3, residues 310-330): QAERSQSSIV[Pro320Leu]EEEQAANKGE

ClinVar aggregate classification (germline): Conflicting classifications of pathogenicity. Review status: criteria provided, conflicting classifications (1 of 4 stars). 2 submissions from 2 submitters: Uncertain significance (1); Likely benign (1). Last evaluated 2025-12-31.

Conditions:
Hereditary cancer-predisposing syndrome. Also called: Neoplastic Syndromes, Hereditary; Hereditary Cancer Syndrome; Tumor predisposition; Hereditary neoplastic syndrome. Identifiers: Orphanet 140162, MedGen C0027672, MeSH D009386, MONDO:0015356.
Familial meningioma. Also called: Meningioma, familial, susceptibility to. Identifiers: Orphanet 263662, MedGen C3551915, MONDO:0011789, OMIM 607174.

Allele frequency attached by ClinVar (database versions not stated): gnomAD exomes below 0.00001; gnomAD 0.00001; TOPMed 0.00001.
gnomAD v4.1: 5 of 1,613,942 alleles (0.00031%); highest among the groups gnomAD compares: African/African-American, 0.0067%; no homozygotes.

Submissions (2):

Labcorp Genetics (formerly Invitae), Labcorp
Classification: Uncertain significance for Familial meningioma. Last evaluated: 2025-12-31. Review status: criteria provided, single submitter. Criteria: Invitae Variant Classification Sherloc (09022015). Collection method: clinical testing. Allele origin: germline.
Comment: This sequence change replaces proline, which is neutral and non-polar, with leucine, which is neutral and non-polar, at codon 320 of the SMARCE1 protein (p.Pro320Leu). This variant is not present in population databases (gnomAD no frequency). This variant has not been reported in the literature in individuals affected with SMARCE1-related conditions. ClinVar contains an entry for this variant (Variation ID: 1473423). Invitae Evidence Modeling of protein sequence and biophysical properties (such as structural, functional, and spatial information, amino acid conservation, physicochemical variation, residue mobility, and thermodynamic stability) indicates that this missense variant is not expected to disrupt SMARCE1 protein function with a negative predictive value of 80%. In summary, the available evidence is currently insufficient to determine the role of this variant in disease. Therefore, it has been classified as a Variant of Uncertain Significance.

Ambry Genetics
Classification: Likely benign for Hereditary cancer-predisposing syndrome. Last evaluated: 2023-01-05. Review status: criteria provided, single submitter. Criteria: Ambry Variant Classification Scheme 2023. Collection method: clinical testing. Allele origin: germline.